The following is an entry in ClinVar:

ClinVar aggregate classification (germline): Uncertain significance. Review status: criteria provided, multiple submitters, no conflicts (2 of 4 stars). 2 submissions from 2 submitters: Uncertain significance (2). Last evaluated 2024-01-28.

Conditions:
Familial Mediterranean fever, autosomal dominant. Also called: Dominant Familial Mediterranean Fever; FMF, AUTOSOMAL DOMINANT. Identifiers: Orphanet 342, MedGen C1851347, MONDO:0007601, OMIM 134610.
Acute febrile neutrophilic dermatosis (AFND). Also called: Sweet Syndrome; Gomm Button disease. Identifiers: Orphanet 3243, MedGen C0085077, MONDO:0011959, OMIM 608068.
Familial Mediterranean fever (FMF). Also called: POLYSEROSITIS, FAMILIAL PAROXYSMAL; POLYSEROSITIS, RECURRENT; Periodic peritonitis; Benign paroxysmal peritonitis. Identifiers: Orphanet 342, MedGen C0031069, MONDO:0018088, OMIM 249100. Disease mechanism: gain of function.

Allele frequency attached by ClinVar (database versions not stated): ESP Exome Variant Server 0.00008.
gnomAD v4.1: 7 of 1,612,448 alleles (0.00043%); highest among the groups gnomAD compares: African/African-American, 0.0027%; no homozygotes.

Submissions (2):

Fulgent Genetics
Classification: Uncertain significance for Familial Mediterranean fever, autosomal dominant; Familial Mediterranean fever; Acute febrile neutrophilic dermatosis. Last evaluated: 2024-01-28. Review status: criteria provided, single submitter. Criteria: ACMG Guidelines, 2015. Collection method: clinical testing. Allele origin: germline.

Labcorp Genetics (formerly Invitae), Labcorp
Classification: Uncertain significance for Familial Mediterranean fever. Last evaluated: 2024-01-15. Review status: criteria provided, single submitter. Criteria: Invitae Variant Classification Sherloc (09022015). Collection method: clinical testing. Allele origin: germline.
Comment: This sequence change replaces glutamic acid, which is acidic and polar, with lysine, which is basic and polar, at codon 128 of the MEFV protein (p.Glu128Lys). This variant is present in population databases (rs368981831, gnomAD 0.007%). This variant has not been reported in the literature in individuals affected with MEFV-related conditions. ClinVar contains an entry for this variant (Variation ID: 2188961). An algorithm developed to predict the effect of missense changes on protein structure and function (PolyPhen-2) suggests that this variant is likely to be tolerated. In summary, the available evidence is currently insufficient to determine the role of this variant in disease. Therefore, it has been classified as a Variant of Uncertain Significance.

NM_000243.3(MEFV):c.382G>A (p.Glu128Lys)

Gene: MEFV (MEFV innate immunity regulator, pyrin; minus strand). Cytogenetic location: 16p13.3.
Variant type: single nucleotide variant.
Coding change: c.382G>A on transcript NM_000243.3 (MANE Select); coding-DNA position 382, G replaced by A.
Protein change: p.Glu128Lys; replaces glutamic acid 128 with lysine.
Molecular consequence: missense variant. On other transcripts: intron variant (1).
Genome position (GRCh38, 1-based): chr16:3,254,686, C>T on the plus strand (G>A on the coding strand, the complement: MEFV is on the minus strand). VCF-style: chr16-3254686-C-T. GRCh37 (hg19) VCF-style: chr16-3304686-C-T.
Other names: c.277+1625G>A (NM_001198536.2); short protein forms E128K.
Identifiers: ClinVar variation 2188961 (VCV002188961.5), dbSNP rs368981831, ClinGen allele CA7860444.
Genomic context (GRCh38, chr16:3,254,686, plus strand): 5'-CGGGCTGGCTGCACCGCAGGCTGGCAGCTCCGCCCCCGTACGGCCGAGGGCCGTTCCCCT[C>T]GTTCCCCTCGGGGTGGTCTGGAGTCTTCAGGCTCCTGGGCTTGTTCTCCCCCAGGGAGCT-3'
Protein context (NP_000234.1, residues 118-138): LKTPDHPEGN[Glu128Lys]GNGPRPYGGG